The following is an entry in ClinVar:

ClinVar aggregate classification (germline): Likely benign (1 of 4 stars; one submission).

gnomAD v4.1: 7,798 of 1,386,604 alleles (0.56%); highest among the groups gnomAD compares: Non-Finnish European, 0.67%; 31 homozygotes.

Submission:

CeGaT Center for Human Genetics Tuebingen
Classification: Likely benign. Last evaluated: 2025-10-01. Review status: criteria provided, single submitter. Criteria: CeGaT Center For Human Genetics Tuebingen Variant Classification Criteria Version 2. Collection method: clinical testing. Allele origin: germline. Affected: yes. Observed: 1 variant allele.
Comment: CAMSAP1: BS2

NM_015447.4(CAMSAP1):c.666+5A>C

Gene: CAMSAP1 (calmodulin regulated spectrin associated protein 1; minus strand). Cytogenetic location: 9q34.3.
Variant type: single nucleotide variant.
Coding change: c.666+5A>C on transcript NM_015447.4 (MANE Select); 5 bases into the intron after coding-DNA position 666, A replaced by C.
Molecular consequence: intron variant.
Genome position (GRCh38, 1-based): chr9:135,866,451, T>G on the plus strand (A>C on the coding strand, the complement: CAMSAP1 is on the minus strand). VCF-style: chr9-135866451-T-G. GRCh37 (hg19) VCF-style: chr9-138758297-T-G.
Other names: c.69+5A>C (NM_001437281.1); c.234+5A>C (NM_001437280.1); c.-27+5A>C (NM_001411031.1); c.666+5A>C (NM_001437279.1).
Identifiers: ClinVar variation 4533454 (VCV004533454.6).